The following is an entry in ClinVar:

NM_052845.4(MMAB):c.116del (p.Gly39fs)

Genes: MMAB (metabolism of cobalamin associated B; minus strand), MVK (mevalonate kinase; plus strand). Cytogenetic location: 12q24.11.
Variant type: Deletion.
Coding change: c.116del on transcript NM_052845.4 (MANE Select); coding-DNA position 116, one base deleted (G; older notation c.116delG).
Protein change: p.Gly39fs; shifts the reading frame from glycine 39.
Molecular consequence: frameshift variant. On other transcripts: non-coding transcript variant (1).
Genome position (GRCh38, 1-based): chr12:109,573,365, C deleted on the plus strand (G on the coding strand, the reverse complement: MMAB is on the minus strand); the first of 3 consecutive C bases (chr12:109,573,365-109,573,367); deleting any one gives the same sequence. VCF-style (leftmost placement, unchanged base first): chr12-109573364-GC-G. GRCh37 (hg19) VCF-style: chr12-110011169-GC-G.
Other names: short protein forms G39fs.
Identifiers: ClinVar variation 2746291 (VCV002746291.3), dbSNP rs2548614128, ClinGen allele CA2697551527.

ClinVar aggregate classification (germline): Pathogenic (1 of 4 stars; one submission).

Conditions:
Methylmalonic aciduria, cblB type (MACB). Also called: METHYLMALONIC ACIDURIA, VITAMIN B12-RESPONSIVE, DUE TO DEFECT IN SYNTHESIS OF ADENOSYLCOBALAMIN, cblB TYPE; Vitamin B12-responsive methylmalonic acidemia type cblB; Methylmalonic acidemia cblB type. Identifiers: Orphanet 28, Orphanet 79311, MedGen C1855102, MONDO:0009614, OMIM 251110.

Submission:

Labcorp Genetics (formerly Invitae), Labcorp
Classification: Pathogenic for Methylmalonic aciduria, cblB type. Last evaluated: 2023-05-29. Review status: criteria provided, single submitter. Criteria: Invitae Variant Classification Sherloc (09022015). Collection method: clinical testing. Allele origin: germline.
Comment: This sequence change creates a premature translational stop signal (p.Gly39Alafs*54) in the MMAB gene. It is expected to result in an absent or disrupted protein product. Loss-of-function variants in MMAB are known to be pathogenic (PMID: 15781192, 16410054). This variant is not present in population databases (gnomAD no frequency). This variant has not been reported in the literature in individuals affected with MMAB-related conditions. For these reasons, this variant has been classified as Pathogenic.

Literature cited by the submitters: PubMed 15781192; PubMed 16410054.